The following is an entry in ClinVar:

NM_078470.6(COX15):c.833-10T>G

Gene: COX15 (cytochrome c oxidase assembly factor COX15; minus strand). Cytogenetic location: 10q24.2.
Variant type: single nucleotide variant.
Coding change: c.833-10T>G on transcript NM_078470.6 (MANE Select); 10 bases into the intron before coding-DNA position 833, T replaced by G.
Molecular consequence: intron variant.
Genome position (GRCh38, 1-based): chr10:99,718,510, A>C on the plus strand (T>G on the coding strand, the complement: COX15 is on the minus strand). VCF-style: chr10-99718510-A-C. GRCh37 (hg19) VCF-style: chr10-101478267-A-C.
Other names: c.833-10T>G (NM_001320974.2, NM_001372027.1, NM_004376.7 and 2 more transcripts); c.296-10T>G (NM_001320976.2); c.806-10T>G (NM_001372026.1); c.833-2049T>G (NM_001372028.1, NM_001320975.2).
Identifiers: ClinVar variation 1472353 (VCV001472353.8), dbSNP rs2133584954, ClinGen allele CA2573145930.
Genomic context (GRCh38, chr10:99,718,510, plus strand): 5'-TGGGAAAGGAGTTATAAACAAGCCCAGCATCTAGCCCTGCCACAAAAGCCCCTGTATTCC[A>C]AGGTAAATGGTATTTATTAAAATGAGAGGAAGAAGAGACCAAATACTAGTTCTGATATAG-3'

ClinVar aggregate classification (germline): Uncertain significance (1 of 4 stars; one submission).

Submission:

Labcorp Genetics (formerly Invitae), Labcorp
Classification: Uncertain significance. Last evaluated: 2025-01-20. Review status: criteria provided, single submitter. Criteria: Invitae Variant Classification Sherloc (09022015). Collection method: clinical testing. Allele origin: germline.
Comment: This sequence change falls in intron 6 of the COX15 gene. It does not directly change the encoded amino acid sequence of the COX15 protein. This variant is not present in population databases (gnomAD no frequency). This variant has not been reported in the literature in individuals affected with COX15-related conditions. ClinVar contains an entry for this variant (Variation ID: 1472353). Algorithms developed to predict the effect of sequence changes on RNA splicing suggest that this variant may disrupt the consensus splice site. In summary, the available evidence is currently insufficient to determine the role of this variant in disease. Therefore, it has been classified as a Variant of Uncertain Significance.